The following is an entry in ClinVar:

NM_004247.4(EFTUD2):c.294A>T (p.Lys98Asn)

Gene: EFTUD2 (elongation factor Tu GTP binding domain containing 2; minus strand). Cytogenetic location: 17q21.31.
Variant type: single nucleotide variant.
Coding change: c.294A>T on transcript NM_004247.4 (MANE Select); coding-DNA position 294, A replaced by T.
Protein change: p.Lys98Asn; replaces lysine 98 with asparagine.
Molecular consequence: missense variant.
Genome position (GRCh38, 1-based): chr17:44,885,312, T>A on the plus strand (A>T on the coding strand, the complement: EFTUD2 is on the minus strand). VCF-style: chr17-44885312-T-A. GRCh37 (hg19) VCF-style: chr17-42962680-T-A.
Other names: c.189A>T, p.Lys63Asn (NM_001142605.2); c.294A>T, p.Lys98Asn (NM_001258353.2, NM_001258354.2); short protein forms K63N, K98N.
Identifiers: ClinVar variation 931923 (VCV000931923.3), dbSNP rs2051147769, ClinGen allele CA399825971.

ClinVar aggregate classification (germline): Uncertain significance (1 of 4 stars; one submission).

Conditions:
Mandibulofacial dysostosis-microcephaly syndrome (MFDGA). Also called: Mandibulofacial dysostosis, Guion-Almeida type; Growth and mental retardation, mandibulofacial dysostosis, microcephaly, and cleft palate. Identifiers: Orphanet 79113, MedGen C1864652, MONDO:0012516, OMIM 610536.

Submission:

Centre for Mendelian Genomics, University Medical Centre Ljubljana
Classification: Uncertain significance for Mandibulofacial dysostosis-microcephaly syndrome. Last evaluated: 2019-04-04. Review status: criteria provided, single submitter. Criteria: ACMG Guidelines, 2015. Collection method: clinical testing. Allele origin: unknown. Affected: yes.
Comment: This variant was classified as: Uncertain significance. The available evidence on this variant's pathogenicity is insufficient or conflicting. The following ACMG criteria were applied in classifying this variant: PM2,PP3.